The following is an entry in ClinVar:

NM_182961.4(SYNE1):c.23425A>G (p.Ile7809Val)

Gene: SYNE1 (spectrin repeat containing nuclear envelope protein 1; minus strand). Cytogenetic location: 6q25.2.
Variant type: single nucleotide variant.
Coding change: c.23425A>G on transcript NM_182961.4 (MANE Select); coding-DNA position 23425, A replaced by G.
Protein change: p.Ile7809Val; replaces isoleucine 7809 with valine.
Molecular consequence: missense variant.
Genome position (GRCh38, 1-based): chr6:152,180,171, T>C on the plus strand (A>G on the coding strand, the complement: SYNE1 is on the minus strand). VCF-style: chr6-152180171-T-C. GRCh37 (hg19) VCF-style: chr6-152501306-T-C.
Other names: c.31A>G, p.Ile11Val (NM_001347701.2); c.23212A>G, p.Ile7738Val (NM_033071.5); short protein forms I11V, I7738V, I7809V.
Identifiers: ClinVar variation 3762736 (VCV003762736.2).

ClinVar aggregate classification (germline): Uncertain significance (1 of 4 stars; one submission).

Conditions:
Emery-Dreifuss muscular dystrophy 4, autosomal dominant (EDMD4). Also called: EMERY-DREIFUSS MUSCULAR DYSTROPHY 4 WITH VARIABLE FEATURES. Identifiers: Orphanet 261, MedGen C2751807, MONDO:0013071, OMIM 612998.
Autosomal recessive ataxia, Beauce type. Also called: SYNE1 Deficiency; Spinocerebellar ataxia, autosomal recessive 8; ATAXIA, RECESSIVE, OF BEAUCE; SYNE1-Related Autosomal Recessive Cerebellar Ataxia. Identifiers: Orphanet 88644, MedGen C1853116, MONDO:0012549, OMIM 610743.

gnomAD v4.1: 2 of 1,614,174 alleles (0.00012%); highest among the groups gnomAD compares: Non-Finnish European, 0.00017%; no homozygotes.

Submission:

Labcorp Genetics (formerly Invitae), Labcorp
Classification: Uncertain significance for Emery-Dreifuss muscular dystrophy 4, autosomal dominant; Autosomal recessive ataxia, Beauce type. Last evaluated: 2024-04-09. Review status: criteria provided, single submitter. Criteria: Invitae Variant Classification Sherloc (09022015). Collection method: clinical testing. Allele origin: germline.
Comment: This sequence change replaces isoleucine, which is neutral and non-polar, with valine, which is neutral and non-polar, at codon 7738 of the SYNE1 protein (p.Ile7738Val). This variant is present in population databases (no rsID available, gnomAD 0.0009%). This variant has not been reported in the literature in individuals affected with SYNE1-related conditions. An algorithm developed to predict the effect of missense changes on protein structure and function (PolyPhen-2) suggests that this variant is likely to be tolerated. In summary, the available evidence is currently insufficient to determine the role of this variant in disease. Therefore, it has been classified as a Variant of Uncertain Significance.